The following is an entry in ClinVar:

NM_005120.3(MED12):c.6150GCA[9] (p.Gln2076_Tyr2077insGlnGlnGln)

Gene: MED12 (mediator complex subunit 12; plus strand). Cytogenetic location: Xq13.1.
Variant type: Microsatellite.
Coding change: c.6150GCA[9] on transcript NM_005120.3 (MANE Select); nine copies in a row of the 3-base unit GCA starting at c.6150; the reference has six copies in a row; three copies, 9 bases duplicated.
Protein change: p.Gln2076_Tyr2077insGlnGlnGln.
Genome position (GRCh38, 1-based): chrX:71,140,749-71,140,757, GCAGCAGCA duplicated; duplicating any 9 consecutive bases within chrX:71,140,739-71,140,757 gives the same sequence; the position shown is the placement nearest the transcript's 3' end. VCF-style (leftmost placement, unchanged base first): chrX-71140738-G-GAGCAGCAGC. GRCh37 (hg19) VCF-style: chrX-70360588-G-GAGCAGCAGC.
Identifiers: ClinVar variation 3705181 (VCV003705181.2).
Genomic context (GRCh38, chrX:71,140,738, plus strand): 5'-ATGACTCCAATGAGTGCCCAGGGCGTCCAGGCAGGCGTCCGTTCAACAGCCATCCTACCT[G>GAGCAGCAGC]AGCAGCAGCAGCAGCAGCAACAGCAGCAACAGCAACAGCAGCAGCAGCAGCAACAGCAAC-3'

ClinVar aggregate classification (germline): Uncertain significance (1 of 4 stars; one submission).

Conditions:
FG syndrome (FGS). Identifiers: MedGen C0220769, MONDO:0002010.

Submission:

Labcorp Genetics (formerly Invitae), Labcorp
Classification: Uncertain significance for FG syndrome. Last evaluated: 2024-07-19. Review status: criteria provided, single submitter. Criteria: Invitae Variant Classification Sherloc (09022015). Collection method: clinical testing. Allele origin: germline.
Comment: This variant, c.6159_6167dup, results in the insertion of 3 amino acid(s) of the MED12 protein (p.Gln2074_Gln2076dup), but otherwise preserves the integrity of the reading frame. The frequency data for this variant in the population databases is considered unreliable, as metrics indicate poor data quality at this position in the gnomAD database. This variant has not been reported in the literature in individuals affected with MED12-related conditions. In summary, the available evidence is currently insufficient to determine the role of this variant in disease. Therefore, it has been classified as a Variant of Uncertain Significance.